The following is an entry in ClinVar:

ClinVar aggregate classification (germline): Uncertain significance. Review status: criteria provided, multiple submitters, no conflicts (2 of 4 stars). 2 submissions from 2 submitters: Uncertain significance (2). Last evaluated 2023-12-07.

Conditions:
Inborn genetic diseases. Identifiers: MedGen C0950123, MeSH D030342.
Parkinsonism-dystonia, infantile. Identifiers: Orphanet 238455, MedGen C2751067, MONDO:0013150.

Allele frequency attached by ClinVar (database versions not stated): ExAC 0.00001; gnomAD 0.00001; TOPMed 0.00001.
gnomAD v4.1: 60 of 1,614,082 alleles (0.0037%); highest among the groups gnomAD compares: Non-Finnish European, 0.0047%; no homozygotes.

Submissions (2):

Labcorp Genetics (formerly Invitae), Labcorp
Classification: Uncertain significance for Parkinsonism-dystonia, infantile. Last evaluated: 2023-12-07. Review status: criteria provided, single submitter. Criteria: Invitae Variant Classification Sherloc (09022015). Collection method: clinical testing. Allele origin: germline.
Comment: This sequence change replaces arginine, which is basic and polar, with glutamine, which is neutral and polar, at codon 51 of the SLC6A3 protein (p.Arg51Gln). This variant is present in population databases (rs774827862, gnomAD 0.006%). This variant has not been reported in the literature in individuals affected with SLC6A3-related conditions. ClinVar contains an entry for this variant (Variation ID: 650844). Advanced modeling of protein sequence and biophysical properties (such as structural, functional, and spatial information, amino acid conservation, physicochemical variation, residue mobility, and thermodynamic stability) performed at Invitae indicates that this missense variant is not expected to disrupt SLC6A3 protein function with a negative predictive value of 80%. In summary, the available evidence is currently insufficient to determine the role of this variant in disease. Therefore, it has been classified as a Variant of Uncertain Significance.

Ambry Genetics
Classification: Uncertain significance for Inborn genetic diseases. Last evaluated: 2022-12-13. Review status: criteria provided, single submitter. Criteria: Ambry Variant Classification Scheme 2023. Collection method: clinical testing. Allele origin: germline.

NM_001044.5(SLC6A3):c.152G>A (p.Arg51Gln)

Gene: SLC6A3 (solute carrier family 6 member 3). Cytogenetic location: 5p15.33.
Variant type: single nucleotide variant.
Coding change: c.152G>A on transcript NM_001044.5 (MANE Select); coding-DNA position 152, G replaced by A.
Protein change: p.Arg51Gln; replaces arginine 51 with glutamine.
Molecular consequence: missense variant.
Genome position (GRCh38, 1-based): chr5:1,443,046, C>T on the plus strand (G>A on the coding strand, the complement: SLC6A3 is on the minus strand). VCF-style: chr5-1443046-C-T. GRCh37 (hg19) VCF-style: chr5-1443161-C-T.
Other names: short protein forms R51Q.
Identifiers: ClinVar variation 650844 (VCV000650844.11), dbSNP rs774827862, ClinGen allele CA3186470.